The following is an entry in ClinVar:

NM_006946.4(SPTBN2):c.3206A>G (p.Asp1069Gly)

Gene: SPTBN2 (spectrin beta, non-erythrocytic 2; minus strand). Cytogenetic location: 11q13.2.
Variant type: single nucleotide variant.
Coding change: c.3206A>G on transcript NM_006946.4 (MANE Select); coding-DNA position 3206, A replaced by G.
Protein change: p.Asp1069Gly; replaces aspartic acid 1069 with glycine.
Molecular consequence: missense variant.
Genome position (GRCh38, 1-based): chr11:66,700,893, T>C on the plus strand (A>G on the coding strand, the complement: SPTBN2 is on the minus strand). VCF-style: chr11-66700893-T-C. GRCh37 (hg19) VCF-style: chr11-66468364-T-C.
Other names: c.3227A>G, p.Asp1076Gly (NM_001411025.1); c.3206A>G, p.Asp1069Gly (NM_001437541.1); short protein forms D1069G, D1076G.
Identifiers: ClinVar variation 5036925 (VCV005036925.1).

ClinVar aggregate classification (germline): Uncertain significance (1 of 4 stars; one submission).

Submission:

GeneDx
Classification: Uncertain significance. Last evaluated: 2026-04-19. Review status: criteria provided, single submitter. Criteria: GeneDx Variant Classification Process June 2021. Collection method: clinical testing. Allele origin: germline.
Comment: Not observed at significant frequency in large population cohorts (gnomAD); In silico analysis suggests that this missense variant does not alter protein structure/function; Has not been previously published as pathogenic or benign to our knowledge